The following is an entry in ClinVar:

ClinVar aggregate classification (germline): Benign. Review status: criteria provided, multiple submitters, no conflicts (2 of 4 stars). 2 submissions from 2 submitters: Benign (2). Last evaluated 2021-06-11.

Allele frequency attached by ClinVar (database versions not stated): ESP Exome Variant Server 0.06867; 1000 Genomes Project 0.06869; 1000 Genomes Project 30x 0.07121.
gnomAD v4.1: 18,757 of 1,592,356 alleles (1.2%); highest among the groups gnomAD compares: African/African-American, 22%; 1,738 homozygotes.

Submissions (2):

GeneDx
Classification: Benign. Last evaluated: 2021-06-11. Review status: criteria provided, single submitter. Criteria: GeneDx Variant Classification Process June 2021. Collection method: clinical testing. Allele origin: germline. Affected: yes.
Comment: This variant is associated with the following publications: (PMID: 23352160, 27884173)

Breakthrough Genomics
Classification: Benign. Review status: criteria provided, single submitter. Criteria: ACMG Guidelines, 2015. Collection method: not provided. Allele origin: germline. Inheritance: Unknown mechanism. Affected: yes.

NM_177977.3(HAP1):c.1847C>A (p.Ser616Ter)

Gene: HAP1 (huntingtin associated protein 1; minus strand). Cytogenetic location: 17q21.2.
Variant type: single nucleotide variant.
Coding change: c.1847C>A on transcript NM_177977.3 (MANE Select); coding-DNA position 1847, C replaced by A.
Protein change: p.Ser616Ter; replaces serine 616 with a stop codon.
Molecular consequence: nonsense. On other transcripts: intron variant (4).
Genome position (GRCh38, 1-based): chr17:41,724,714, G>T on the plus strand (C>A on the coding strand, the complement: HAP1 is on the minus strand). VCF-style: chr17-41724714-G-T. GRCh37 (hg19) VCF-style: chr17-39880966-G-T.
Other names: c.1796C>A, p.Ser599Ter (NM_001079870.1); c.1772C>A, p.Ser591Ter (NM_001079871.1); c.1331+1145C>A (NM_001367462.1); c.1720+52C>A (NM_001367461.1); c.1855+52C>A (NM_001367460.1); c.1891+52C>A (NM_001367459.1); short protein forms S591*, S599*, S616*.
Identifiers: ClinVar variation 1287515 (VCV001287515.2), dbSNP rs34381648, ClinGen allele CA8564212.